The following is an entry in ClinVar:

ClinVar aggregate classification (germline): Likely pathogenic (1 of 4 stars; one submission).

Submission:

Labcorp Genetics (formerly Invitae), Labcorp
Classification: Likely pathogenic. Last evaluated: 2022-03-26. Review status: criteria provided, single submitter. Criteria: Invitae Variant Classification Sherloc (09022015). Collection method: clinical testing. Allele origin: germline.
Comment: In summary, the currently available evidence indicates that the variant is pathogenic, but additional data are needed to prove that conclusively. Therefore, this variant has been classified as Likely Pathogenic. Algorithms developed to predict the effect of sequence changes on RNA splicing suggest that this variant may disrupt the consensus splice site. This variant has not been reported in the literature in individuals affected with USH2A-related conditions. This variant is not present in population databases (gnomAD no frequency). This sequence change affects a donor splice site in intron 39 of the USH2A gene. It is expected to disrupt RNA splicing. Variants that disrupt the donor or acceptor splice site typically lead to a loss of protein function (PMID: 16199547), and loss-of-function variants in USH2A are known to be pathogenic (PMID: 10729113, 10909849, 20507924, 25649381).

Literature cited by the submitters: PubMed 16199547; PubMed 10729113; PubMed 10909849; PubMed 20507924; PubMed 25649381.

NM_206933.4(USH2A):c.7451+1G>T

Gene: USH2A (usherin; minus strand). Cytogenetic location: 1q41.
Variant type: single nucleotide variant.
Coding change: c.7451+1G>T on transcript NM_206933.4 (MANE Select); the canonical splice donor site of the intron after coding-DNA position 7451, G replaced by T.
Molecular consequence: splice donor variant.
Genome position (GRCh38, 1-based): chr1:215,900,754, C>A on the plus strand (G>T on the coding strand, the complement: USH2A is on the minus strand). VCF-style: chr1-215900754-C-A. GRCh37 (hg19) VCF-style: chr1-216074096-C-A.
Identifiers: ClinVar variation 2117355 (VCV002117355.4), dbSNP rs541848371, ClinGen allele CA344849190.